The following is an entry in ClinVar:

NM_170601.5(SIAE):c.1414C>T (p.His472Tyr)

Gene: SIAE (sialic acid acetylesterase; minus strand). Cytogenetic location: 11q24.2.
Variant type: single nucleotide variant.
Coding change: c.1414C>T on transcript NM_170601.5 (MANE Select); coding-DNA position 1414, C replaced by T.
Protein change: p.His472Tyr; replaces histidine 472 with tyrosine.
Molecular consequence: missense variant.
Genome position (GRCh38, 1-based): chr11:124,637,109, G>A on the plus strand (C>T on the coding strand, the complement: SIAE is on the minus strand). VCF-style: chr11-124637109-G-A. GRCh37 (hg19) VCF-style: chr11-124507005-G-A.
Other names: c.1309C>T, p.His437Tyr (NM_001199922.2); short protein forms H472Y, H437Y.
Identifiers: ClinVar variation 1919370 (VCV001919370.5), dbSNP rs1186440421, ClinGen allele CA383141910.

ClinVar aggregate classification (germline): Uncertain significance (1 of 4 stars; one submission).

Allele frequency attached by ClinVar (database versions not stated): gnomAD exomes below 0.00001; TOPMed below 0.00001.
gnomAD v4.1: 4 of 1,614,182 alleles (0.00025%); highest among the groups gnomAD compares: Admixed American, 0.005%; no homozygotes.

Submission:

Labcorp Genetics (formerly Invitae), Labcorp
Classification: Uncertain significance. Last evaluated: 2024-01-06. Review status: criteria provided, single submitter. Criteria: Invitae Variant Classification Sherloc (09022015). Collection method: clinical testing. Allele origin: germline.
Comment: This sequence change replaces histidine, which is basic and polar, with tyrosine, which is neutral and polar, at codon 472 of the SIAE protein (p.His472Tyr). This variant is present in population databases (no rsID available, gnomAD 0.003%). This variant has not been reported in the literature in individuals affected with SIAE-related conditions. ClinVar contains an entry for this variant (Variation ID: 1919370). Algorithms developed to predict the effect of missense changes on protein structure and function output the following: SIFT: "Not Available"; PolyPhen-2: "Benign"; Align-GVGD: "Not Available". The tyrosine amino acid residue is found in multiple mammalian species, which suggests that this missense change does not adversely affect protein function. In summary, the available evidence is currently insufficient to determine the role of this variant in disease. Therefore, it has been classified as a Variant of Uncertain Significance.